The following is an entry in ClinVar:

NM_001042492.3(NF1):c.1547C>G (p.Pro516Arg)

Gene: NF1 (neurofibromin 1; plus strand). Cytogenetic location: 17q11.2.
Variant type: single nucleotide variant.
Coding change: c.1547C>G on transcript NM_001042492.3 (MANE Select); coding-DNA position 1547, C replaced by G.
Protein change: p.Pro516Arg; replaces proline 516 with arginine.
Molecular consequence: missense variant.
Genome position (GRCh38, 1-based): chr17:31,219,024, C>G. VCF-style: chr17-31219024-C-G. GRCh37 (hg19) VCF-style: chr17-29546042-C-G.
Other names: c.1547C>G, p.Pro516Arg (NM_000267.4, NM_001128147.3); short protein forms P516R.
Identifiers: ClinVar variation 2758610 (VCV002758610.3), dbSNP rs2143985858, ClinGen allele CA399001854.

ClinVar aggregate classification (germline): Uncertain significance (1 of 4 stars; one submission).

Conditions:
Neurofibromatosis, type 1 (NF1). Also called: VON RECKLINGHAUSEN DISEASE; NEUROFIBROMATOSIS, TYPE I, SOMATIC; Peripheral type neurofibromatosis; Neurofibromatosis, type I. Identifiers: Orphanet 636, MedGen C0027831, MONDO:0018975, OMIM 162200. Disease mechanism: loss of function.

Submission:

Labcorp Genetics (formerly Invitae), Labcorp
Classification: Uncertain significance for Neurofibromatosis, type 1. Last evaluated: 2023-09-06. Review status: criteria provided, single submitter. Criteria: Invitae Variant Classification Sherloc (09022015). Collection method: clinical testing. Allele origin: germline.
Comment: In summary, the available evidence is currently insufficient to determine the role of this variant in disease. Therefore, it has been classified as a Variant of Uncertain Significance. Advanced modeling of protein sequence and biophysical properties (such as structural, functional, and spatial information, amino acid conservation, physicochemical variation, residue mobility, and thermodynamic stability) performed at Invitae indicates that this missense variant is not expected to disrupt NF1 protein function. This variant has not been reported in the literature in individuals affected with NF1-related conditions. This variant is not present in population databases (gnomAD no frequency). This sequence change replaces proline, which is neutral and non-polar, with arginine, which is basic and polar, at codon 516 of the NF1 protein (p.Pro516Arg).